The following is an entry in ClinVar:

ClinVar aggregate classification (germline): Uncertain significance (1 of 4 stars; one submission).

Allele frequency attached by ClinVar (database versions not stated): gnomAD 0.00001; ExAC 0.00002; TOPMed 0.00003; 1000 Genomes Project 30x 0.00047; 1000 Genomes Project 0.00060.
gnomAD v4.1: 23 of 1,613,788 alleles (0.0014%); highest among the groups gnomAD compares: East Asian, 0.02%; no homozygotes.

Submission:

Women's Health and Genetics/Laboratory Corporation of America, LabCorp
Classification: Uncertain significance. Last evaluated: 2023-06-13. Review status: criteria provided, single submitter. Criteria: LabCorp Variant Classification Summary - May 2015. Collection method: clinical testing. Allele origin: germline.
Comment: Variant summary: PRSS12 c.718C>T (p.Arg240X) results in a premature termination codon, predicted to cause a truncation of the encoded protein or absence of the protein due to nonsense mediated decay, however the molecular mechanism of disease attributed to PRSS12 is gain-of-function. The variant allele was found at a frequency of 4.4e-05 in 251288 control chromosomes (gnomAD). To our knowledge, no occurrence of c.718C>T in individuals affected with Intellectual Disability, Autosomal Recessive 1 and no experimental evidence demonstrating its impact on protein function have been reported. No clinical diagnostic laboratories have submitted clinical-significance assessments for this variant to ClinVar after 2014. Based on the evidence outlined above, the variant was classified as uncertain significance.

NM_003619.4(PRSS12):c.718C>T (p.Arg240Ter)

Gene: PRSS12 (serine protease 12; minus strand). Cytogenetic location: 4q26.
Variant type: single nucleotide variant.
Coding change: c.718C>T on transcript NM_003619.4 (MANE Select); coding-DNA position 718, C replaced by T.
Protein change: p.Arg240Ter; replaces arginine 240 with a stop codon.
Molecular consequence: nonsense.
Genome position (GRCh38, 1-based): chr4:118,335,575, G>A on the plus strand (C>T on the coding strand, the complement: PRSS12 is on the minus strand). VCF-style: chr4-118335575-G-A. GRCh37 (hg19) VCF-style: chr4-119256730-G-A.
Other names: short protein forms R240*.
Identifiers: ClinVar variation 2573508 (VCV002573508.1), dbSNP rs146884286, ClinGen allele CA3055857.